The following is an entry in ClinVar:

NM_001283009.2(RTEL1):c.2787C>T (p.Ala929=)

Genes: RTEL1-TNFRSF6B (RTEL1-TNFRSF6B readthrough (NMD candidate); plus strand), RTEL1 (regulator of telomere elongation helicase 1; plus strand). Cytogenetic location: 20q13.33.
Variant type: single nucleotide variant.
Coding change: c.2787C>T on transcript NM_001283009.2 (MANE Select); coding-DNA position 2787, C replaced by T.
Protein change: p.Ala929=; no amino-acid change (alanine 929 retained).
Molecular consequence: synonymous variant. On other transcripts: non-coding transcript variant (1).
Genome position (GRCh38, 1-based): chr20:63,692,939, C>T. VCF-style: chr20-63692939-C-T. GRCh37 (hg19) VCF-style: chr20-62324292-C-T.
Other names: c.2118C>T, p.Ala706= (NM_001283010.1); c.2787C>T, p.Ala929= (NM_016434.4); c.2859C>T, p.Ala953= (NM_032957.5).
Identifiers: ClinVar variation 540943 (VCV000540943.41), dbSNP rs115030322, ClinGen allele CA9965538.
Genomic context (GRCh38, chr20:63,692,939, plus strand): 5'-AGCCAACTTTGCCACCTTCACCCAGGCCCTGCAGGACTACAAGGGTTCCGATGACTTCGC[C>T]GCCCTGGCCGCCTGTCTCGGCCCCCTCTTTGCTGAGGACCCCAAGAAGCACAACCTGCTC-3'
Protein context (NP_001269938.1, residues 919-939): LQDYKGSDDF[Ala929=]ALAACLGPLF

ClinVar aggregate classification (germline): Benign/Likely benign. Review status: criteria provided, multiple submitters, no conflicts (2 of 4 stars). 6 submissions from 6 submitters: Benign (1); Likely benign (4). 1 of the submissions does not count toward it. Last evaluated 2026-01-24.

Conditions:
Inborn genetic diseases. Identifiers: MedGen C0950123, MeSH D030342.
Dyskeratosis congenita. Identifiers: Orphanet 1775, MedGen C0265965, MONDO:0015780.
Pulmonary fibrosis and/or bone marrow failure, Telomere-related, 3. Also called: PULMONARY FIBROSIS AND/OR BONE MARROW FAILURE SYNDROME, TELOMERE-RELATED, 3. Identifiers: Orphanet 2032, MedGen C4225346, MONDO:0014613, OMIM 616373.
Dyskeratosis congenita, autosomal recessive 5 (DKCB5). Identifiers: MedGen C3554656, MONDO:0014076, OMIM 615190.

Allele frequency attached by ClinVar (database versions not stated): TOPMed 0.00086; gnomAD 0.00087 and 0.00081; 1000 Genomes Project 30x 0.00094; gnomAD exomes 0.00038 and 0.00060; ESP Exome Variant Server 0.00054; ExAC 0.00066; 1000 Genomes Project 0.00080.
gnomAD v4.1: 690 of 1,612,638 alleles (0.043%); highest among the groups gnomAD compares: African/African-American, 0.2%; 3 homozygotes.

Submissions (6):

Labcorp Genetics (formerly Invitae), Labcorp
Classification: Benign for Dyskeratosis congenita, autosomal recessive 5; Pulmonary fibrosis and/or bone marrow failure, Telomere-related, 3. Last evaluated: 2026-01-24. Review status: criteria provided, single submitter. Criteria: Invitae Variant Classification Sherloc (09022015). Collection method: clinical testing. Allele origin: germline.

Blueprint Genetics
Classification: Likely benign. Last evaluated: 2024-11-01. Review status: criteria provided, single submitter. Criteria: ACMG Guidelines, 2015. Collection method: clinical testing. Allele origin: germline.

Ambry Genetics
Classification: Likely benign for Inborn genetic diseases. Last evaluated: 2023-04-22. Review status: criteria provided, single submitter. Criteria: Ambry Variant Classification Scheme 2023. Collection method: clinical testing. Allele origin: germline.

CeGaT Center for Human Genetics Tuebingen
Classification: Likely benign. Last evaluated: 2023-02-01. Review status: criteria provided, single submitter. Criteria: CeGaT Center For Human Genetics Tuebingen Variant Classification Criteria Version 2. Collection method: clinical testing. Allele origin: germline. Affected: yes. Observed: 2 variant alleles.
Comment: RTEL1: BP4, BP7

Sema4
Classification: Likely benign for Dyskeratosis congenita. Last evaluated: 2021-06-17. Review status: criteria provided, single submitter. Criteria: Sema4 Curation Guidelines. Collection method: curation. Allele origin: germline.

Natera, Inc.
Classification: Likely benign for Dyskeratosis congenita. Last evaluated: 2020-09-03. Review status: no assertion criteria provided. Collection method: clinical testing. Allele origin: germline. Not counted in ClinVar's aggregate classification.